The following is an entry in ClinVar:

ClinVar aggregate classification (germline): Benign. Review status: criteria provided, multiple submitters, no conflicts (2 of 4 stars). 6 submissions from 6 submitters: Benign (6). Last evaluated 2026-02-03.

Conditions:
Retinal dystrophy. Also called: Inherited retinal dystrophy. Identifiers: Orphanet 71862, MedGen C0854723, MeSH D058499, MONDO:0019118, HP:0000556.
Retinitis pigmentosa (RP). Identifiers: Orphanet 791, MedGen C0035334, MeSH D012174, MONDO:0019200, OMIM 268000. Inheritance: Autosomal dominant, autosomal recessive and X linked inheritance.
Retinitis pigmentosa 38 (RP38). Also called: ROD-CONE DYSTROPHY, CHILDHOOD-ONSET. Identifiers: Orphanet 791, MedGen C3151228, MONDO:0013469, OMIM 613862.

Allele frequency attached by ClinVar (database versions not stated): 1000 Genomes Project 0.56150; 1000 Genomes Project 30x 0.56590; ExAC 0.59732; gnomAD exomes 0.59764 and 0.61218; TOPMed 0.61234; gnomAD 0.61963 and 0.62489; ESP Exome Variant Server 0.63394.
gnomAD v4.1: 988,796 of 1,613,440 alleles (61%); highest among the groups gnomAD compares: African/African-American, 66%; 307,086 homozygotes.

Submissions (6):

Labcorp Genetics (formerly Invitae), Labcorp
Classification: Benign. Last evaluated: 2026-02-03. Review status: criteria provided, single submitter. Criteria: Invitae Variant Classification Sherloc (09022015). Collection method: clinical testing. Allele origin: germline.

Blueprint Genetics
Classification: Benign. Last evaluated: 2024-11-26. Review status: criteria provided, single submitter. Criteria: ACMG Guidelines, 2015. Collection method: clinical testing. Allele origin: germline.

Dept Of Ophthalmology, Nagoya University
Classification: Benign for Retinal dystrophy. Last evaluated: 2023-10-01. Review status: criteria provided, single submitter. Criteria: Submitter's publication. Collection method: research. Allele origin: germline. Affected: yes.

Genome-Nilou Lab
Classification: Benign for Retinitis pigmentosa 38. Last evaluated: 2021-09-05. Review status: criteria provided, single submitter. Criteria: ACMG Guidelines, 2015. Collection method: clinical testing. Allele origin: germline. Affected: no.

Illumina Laboratory Services, Illumina
Classification: Benign for Retinitis pigmentosa. Last evaluated: 2018-01-12. Review status: criteria provided, single submitter. Criteria: ICSL Variant Classification Criteria 13 December 2019. Collection method: clinical testing. Allele origin: germline.
Comment: This variant was observed in the ICSL laboratory as part of a predisposition screen in an ostensibly healthy population. It had not been previously curated by ICSL or reported in the Human Gene Mutation Database (HGMD: prior to June 1st, 2018), and was therefore a candidate for classification through an automated scoring system. Utilizing variant allele frequency, disease prevalence and penetrance estimates, and inheritance mode, an automated score was calculated to assess if this variant is too frequent to cause the disease. Based on the score and internal cut-off values, a variant classified as benign is not then subjected to further curation. The score for this variant resulted in a classification of benign for this disease.

Breakthrough Genomics
Classification: Benign. Review status: criteria provided, single submitter. Criteria: ACMG Guidelines, 2015. Collection method: not provided. Allele origin: germline. Inheritance: Autosomal recessive inheritance. Affected: yes.

NM_006343.3(MERTK):c.1552A>G (p.Ile518Val)

Gene: MERTK (MER proto-oncogene, tyrosine kinase; plus strand). Cytogenetic location: 2q13.
Variant type: single nucleotide variant.
Coding change: c.1552A>G on transcript NM_006343.3 (MANE Select); coding-DNA position 1552, A replaced by G.
Protein change: p.Ile518Val; replaces isoleucine 518 with valine.
Molecular consequence: missense variant.
Genome position (GRCh38, 1-based): chr2:111,997,424, A>G. VCF-style: chr2-111997424-A-G. GRCh37 (hg19) VCF-style: chr2-112755001-A-G.
Other names: short protein forms I518V.
Identifiers: ClinVar variation 330759 (VCV000330759.18), dbSNP rs2230515, ClinGen allele CA1831458.